The following is an entry in ClinVar:

NM_006567.5(FARS2):c.308G>T (p.Gly103Val)

Genes: FARS2 (phenylalanyl-tRNA synthetase 2, mitochondrial; plus strand), LOC126859565 (CDK7 strongly-dependent group 2 enhancer GRCh37_chr6:5368745-5369944; plus strand). Cytogenetic location: 6p25.1.
Variant type: single nucleotide variant.
Coding change: c.308G>T on transcript NM_006567.5 (MANE Select); coding-DNA position 308, G replaced by T.
Protein change: p.Gly103Val; replaces glycine 103 with valine.
Molecular consequence: missense variant. On other transcripts: intron variant (2).
Genome position (GRCh38, 1-based): chr6:5,368,878, G>T. VCF-style: chr6-5368878-G-T. GRCh37 (hg19) VCF-style: chr6-5369111-G-T.
Other names: c.308G>T, p.Gly103Val (NM_001318872.2, NM_001374875.1, NM_001374876.1 and 5 more transcripts); c.-340-27755G>T (NM_001375260.1); c.-84-35664G>T (NM_001375259.1); short protein forms G103V.
Identifiers: ClinVar variation 1064107 (VCV001064107.8), dbSNP rs752460037, ClinGen allele CA3623621.

ClinVar aggregate classification (germline): Uncertain significance (1 of 4 stars; one submission).

Conditions:
Combined oxidative phosphorylation defect type 14. Also called: Combined oxidative phosphorylation deficiency 14. Identifiers: Orphanet 319519, MedGen C4755312, MONDO:0013986, OMIM 614946.

Allele frequency attached by ClinVar (database versions not stated): gnomAD 0.00003 and 0.00002; TOPMed 0.00003; ExAC 0.00006; gnomAD exomes 0.00008.
gnomAD v4.1: 20 of 1,614,148 alleles (0.0012%); highest among the groups gnomAD compares: East Asian, 0.038%; no homozygotes.

Submission:

Labcorp Genetics (formerly Invitae), Labcorp
Classification: Uncertain significance for Combined oxidative phosphorylation defect type 14. Last evaluated: 2026-01-29. Review status: criteria provided, single submitter. Criteria: Invitae Variant Classification Sherloc (09022015). Collection method: clinical testing. Allele origin: germline.
Comment: This sequence change replaces glycine, which is neutral and non-polar, with valine, which is neutral and non-polar, at codon 103 of the FARS2 protein (p.Gly103Val). This variant is present in population databases (rs752460037, gnomAD 0.1%). This variant has not been reported in the literature in individuals affected with FARS2-related conditions. ClinVar contains an entry for this variant (Variation ID: 1064107). Invitae Evidence Modeling of protein sequence and biophysical properties (such as structural, functional, and spatial information, amino acid conservation, physicochemical variation, residue mobility, and thermodynamic stability) has been performed for this missense variant. However, the output from this modeling did not meet the statistical confidence thresholds required to predict the impact of this variant on FARS2 protein function. Studies have shown that this missense change alters FARS2 gene expression (PMID: 38362779). In summary, the available evidence is currently insufficient to determine the role of this variant in disease. Therefore, it has been classified as a Variant of Uncertain Significance.

Literature cited by the submitters: PubMed 38362779.